The following is an entry in ClinVar:

NM_006080.3(SEMA3A):c.427T>C (p.Tyr143His)

Gene: SEMA3A (semaphorin 3A; minus strand). Cytogenetic location: 7q21.11.
Variant type: single nucleotide variant.
Coding change: c.427T>C on transcript NM_006080.3 (MANE Select); coding-DNA position 427, T replaced by C.
Protein change: p.Tyr143His; replaces tyrosine 143 with histidine.
Molecular consequence: missense variant.
Genome position (GRCh38, 1-based): chr7:84,110,496, A>G on the plus strand (T>C on the coding strand, the complement: SEMA3A is on the minus strand). VCF-style: chr7-84110496-A-G. GRCh37 (hg19) VCF-style: chr7-83739812-A-G.
Other names: short protein forms Y143H.
Identifiers: ClinVar variation 4984338 (VCV004984338.1).

ClinVar aggregate classification (germline): Uncertain significance (1 of 4 stars; one submission).

Conditions:
SEMA3A-related disorder. Also called: SEMA3A-related condition.

gnomAD v4.1: 7 of 1,613,978 alleles (0.00043%); highest among the groups gnomAD compares: Admixed American, 0.01%; no homozygotes.

Submission:

PreventionGenetics, part of Exact Sciences
Classification: Uncertain significance for SEMA3A-related condition. Last evaluated: 2025-11-13. Review status: criteria provided, single submitter. Criteria: ACMG Guidelines, 2015. Collection method: clinical testing. Allele origin: germline.
Comment: The SEMA3A c.427T>C variant is predicted to result in the amino acid substitution p.Tyr143His. To our knowledge, this variant has not been reported in the literature. This variant is reported in 0.014% of alleles in individuals of Latino descent in gnomAD. At this time, the clinical significance of this variant is uncertain due to the absence of conclusive functional and genetic evidence.